The following is an entry in ClinVar:

NM_006158.5(NEFL):c.532T>A (p.Tyr178Asn)

Gene: NEFL (neurofilament light chain; minus strand). Cytogenetic location: 8p21.2.
Variant type: single nucleotide variant.
Coding change: c.532T>A on transcript NM_006158.5 (MANE Select); coding-DNA position 532, T replaced by A.
Protein change: p.Tyr178Asn; replaces tyrosine 178 with asparagine.
Molecular consequence: missense variant.
Genome position (GRCh38, 1-based): chr8:24,955,984, A>T on the plus strand (T>A on the coding strand, the complement: NEFL is on the minus strand). VCF-style: chr8-24955984-A-T. GRCh37 (hg19) VCF-style: chr8-24813498-A-T.
Other names: short protein forms Y178N.
Identifiers: ClinVar variation 657206 (VCV000657206.4), dbSNP rs550216338, ClinGen allele CA174061114.

ClinVar aggregate classification (germline): Uncertain significance (1 of 4 stars; one submission).

Conditions:
Charcot-Marie-Tooth disease type 2E (CMT2E). Also called: CHARCOT-MARIE-TOOTH DISEASE, AXONAL, TYPE 2E; CHARCOT-MARIE-TOOTH NEUROPATHY, TYPE 2E. Identifiers: Orphanet 99939, MedGen C1843225, MONDO:0011894, OMIM 607684.

Allele frequency attached by ClinVar (database versions not stated): gnomAD exomes 0.00001 and 0.00002; gnomAD 0.00002; TOPMed 0.00002.
gnomAD v4.1: 16 of 1,602,956 alleles (0.001%); highest among the groups gnomAD compares: Non-Finnish European, 0.0014%; no homozygotes.

Submission:

Labcorp Genetics (formerly Invitae), Labcorp
Classification: Uncertain significance for Charcot-Marie-Tooth disease type 2E. Last evaluated: 2018-12-17. Review status: criteria provided, single submitter. Criteria: Invitae Variant Classification Sherloc (09022015). Collection method: clinical testing. Allele origin: germline.
Comment: In summary, the available evidence is currently insufficient to determine the role of this variant in disease. Therefore, it has been classified as a Variant of Uncertain Significance. Algorithms developed to predict the effect of missense changes on protein structure and function are either unavailable or do not agree on the potential impact of this missense change (SIFT: "Deleterious"; PolyPhen-2: "Probably Damaging"; Align-GVGD: "Class C0"). This variant has not been reported in the literature in individuals with NEFL-related conditions. This variant is not present in population databases (ExAC no frequency). This sequence change replaces tyrosine with asparagine at codon 178 of the NEFL protein (p.Tyr178Asn). The tyrosine residue is highly conserved and there is a large physicochemical difference between tyrosine and asparagine.